The following is an entry in ClinVar:

ClinVar aggregate classification (germline): Uncertain significance (1 of 4 stars; one submission).

Allele frequency attached by ClinVar (database versions not stated): 1000 Genomes Project 30x 0.00468.
gnomAD v4.1: 592 of 1,613,940 alleles (0.037%); highest among the groups gnomAD compares: East Asian, 1.2%; 7 homozygotes.

Submission:

Labcorp Genetics (formerly Invitae), Labcorp
Classification: Uncertain significance. Last evaluated: 2024-07-24. Review status: criteria provided, single submitter. Criteria: Invitae Variant Classification Sherloc (09022015). Collection method: clinical testing. Allele origin: germline.
Comment: This sequence change affects codon 243 of the CNOT3 mRNA. It is a 'silent' change, meaning that it does not change the encoded amino acid sequence of the CNOT3 protein. The frequency data for this variant in the population databases is considered unreliable, as metrics indicate insufficient coverage at this position in the gnomAD database. This variant has not been reported in the literature in individuals affected with CNOT3-related conditions. Experimental studies and prediction algorithms are not available or were not evaluated, and the effect of this variant on mRNA splicing is currently unknown. In summary, the available evidence is currently insufficient to determine the role of this variant in disease. Therefore, it has been classified as a Variant of Uncertain Significance.

NM_014516.4(CNOT3):c.729C>T (p.Pro243=)

Gene: CNOT3 (CCR4-NOT transcription complex subunit 3; plus strand). Cytogenetic location: 19q13.42.
Variant type: single nucleotide variant.
Coding change: c.729C>T on transcript NM_014516.4 (MANE Select); coding-DNA position 729, C replaced by T.
Protein change: p.Pro243=; no amino-acid change (proline 243 retained).
Molecular consequence: synonymous variant.
Genome position (GRCh38, 1-based): chr19:54,145,935, C>T. VCF-style: chr19-54145935-C-T. GRCh37 (hg19) VCF-style: chr19-54649671-T-T.
Identifiers: ClinVar variation 1971525 (VCV001971525.5), dbSNP rs36665, ClinGen allele CA309339179.